The following is an entry in ClinVar:

ClinVar aggregate classification (germline): Uncertain significance (1 of 4 stars; one submission).

Conditions:
BPTF-related neurodevelopmental disorder.

Submission:

Illumina Laboratory Services, Illumina
Classification: Uncertain significance for BPTF-related neurodevelopmental disorder. Last evaluated: 2020-05-28. Review status: criteria provided, single submitter. Criteria: ICSLVariantClassificationCriteria RUGD 01 April 2020. Collection method: clinical testing. Allele origin: unknown.
Comment: The BPTF c.970A>T (p.Met324Leu) variant is a missense variant. A literature search was performed for the gene, cDNA change, and amino acid change. No publications were found based on this search. This variant is not found the Genome Aggregation Database in a region of good sequence coverage, so the variant is presumed to be rare. Based on the limited evidence, the p.Met324Leu variant is classified as a variant of uncertain significance for BPTF-related neurodevelopmental disorder.

NM_182641.4(BPTF):c.970A>T (p.Met324Leu)

Gene: BPTF (bromodomain PHD finger transcription factor; plus strand). Cytogenetic location: 17q24.2.
Variant type: single nucleotide variant.
Coding change: c.970A>T on transcript NM_182641.4 (MANE Select); coding-DNA position 970, A replaced by T.
Protein change: p.Met324Leu; replaces methionine 324 with leucine.
Molecular consequence: missense variant.
Genome position (GRCh38, 1-based): chr17:67,854,296, A>T. VCF-style: chr17-67854296-A-T. GRCh37 (hg19) VCF-style: chr17-65850412-A-T.
Other names: c.970A>T, p.Met324Leu (NM_004459.7); short protein forms M324L.
Identifiers: ClinVar variation 989305 (VCV000989305.4), dbSNP rs1168961811, ClinGen allele CA400720358.